The following is an entry in ClinVar:

ClinVar aggregate classification (germline): Pathogenic (1 of 4 stars; one submission).

Conditions:
Primary ciliary dyskinesia 23 (CILD23). Also called: CILIARY DYSKINESIA, PRIMARY, 23, WITH OR WITHOUT SITUS INVERSUS. Identifiers: Orphanet 244, MedGen C3809548, MONDO:0014193, OMIM 615451.

Submission:

Labcorp Genetics (formerly Invitae), Labcorp
Classification: Pathogenic for Primary ciliary dyskinesia 23. Last evaluated: 2023-01-03. Review status: criteria provided, single submitter. Criteria: Invitae Variant Classification Sherloc (09022015). Collection method: clinical testing. Allele origin: germline.
Comment: For these reasons, this variant has been classified as Pathogenic. This variant has not been reported in the literature in individuals affected with ARMC4-related conditions. This variant is not present in population databases (gnomAD no frequency). This sequence change creates a premature translational stop signal (p.Leu260Valfs*18) in the ARMC4 gene. It is expected to result in an absent or disrupted protein product. Loss-of-function variants in ARMC4 are known to be pathogenic (PMID: 23849778).

Literature cited by the submitters: PubMed 23849778.

NM_018076.5(ODAD2):c.778_779del (p.Leu260fs)

Gene: ODAD2 (outer dynein arm docking complex subunit 2; minus strand). Cytogenetic location: 10p12.1.
Variant type: Microsatellite.
Coding change: c.778_779del on transcript NM_018076.5 (MANE Select); coding-DNA positions 778 to 779, 2 bases deleted (CT; older notation c.778_779delCT).
Protein change: p.Leu260fs; shifts the reading frame from leucine 260.
Molecular consequence: frameshift variant.
Genome position (GRCh38, 1-based): chr10:27,983,883-27,983,884, AG deleted on the plus strand (CT on the coding strand, the reverse complement: ODAD2 is on the minus strand); deleting any 2 consecutive bases within chr10:27,983,883-27,983,886 gives the same sequence; the c. name uses the placement nearest the transcript's 3' end. VCF-style (leftmost placement, unchanged base first): chr10-27983882-CAG-C. GRCh37 (hg19) VCF-style: chr10-28272811-CAG-C.
Other names: c.778_779del, p.Leu260fs (NM_001290020.2); short protein forms L260fs.
Identifiers: ClinVar variation 2826067 (VCV002826067.3), dbSNP rs2494378840, ClinGen allele CA2739265323.